The following is an entry in ClinVar:

ClinVar aggregate classification (germline): Uncertain significance (1 of 4 stars; one submission).

Submission:

GeneDx
Classification: Uncertain significance. Last evaluated: 2021-04-01. Review status: criteria provided, single submitter. Criteria: GeneDx Variant Classification Process June 2021. Collection method: clinical testing. Allele origin: germline. Affected: yes.
Comment: Not observed in large population cohorts (Lek et al., 2016); In silico analysis, which includes splice predictors and evolutionary conservation, suggests this variant may impact gene splicing. In the absence of RNA/functional studies, the actual effect of this sequence change is unknown; In silico analysis, which includes protein predictors and evolutionary conservation, supports that this variant does not alter protein structure/function; Has not been previously published as pathogenic or benign to our knowledge

NM_001204.7(BMPR2):c.2693G>A (p.Gly898Asp)

Gene: BMPR2 (bone morphogenetic protein receptor type 2; plus strand). Cytogenetic location: 2q33.2.
Variant type: single nucleotide variant.
Coding change: c.2693G>A on transcript NM_001204.7 (MANE Select); coding-DNA position 2693, G replaced by A.
Protein change: p.Gly898Asp; replaces glycine 898 with aspartic acid.
Molecular consequence: missense variant.
Genome position (GRCh38, 1-based): chr2:202,556,358, G>A. VCF-style: chr2-202556358-G-A. GRCh37 (hg19) VCF-style: chr2-203421081-G-A.
Other names: short protein forms G898D.
Identifiers: ClinVar variation 1305391 (VCV001305391.2), dbSNP rs2105712608, ClinGen allele CA350349382.